The following is an entry in ClinVar:

NM_000377.3(WAS):c.1203_1211dup (p.Pro402_Pro404dup)

Gene: WAS (WASP actin nucleation promoting factor; plus strand). Cytogenetic location: Xp11.23.
Variant type: Duplication.
Coding change: c.1203_1211dup on transcript NM_000377.3 (MANE Select); coding-DNA positions 1203 to 1211, 9 bases duplicated (ACCGCCGCC; older notation c.1203_1211dupACCGCCGCC).
Protein change: p.Pro402_Pro404dup.
Molecular consequence: inframe insertion.
Genome position (GRCh38, 1-based): chrX:48,688,931-48,688,939, ACCGCCGCC duplicated; duplicating any 9 consecutive bases within chrX:48,688,926-48,688,939 gives the same sequence; the c. name uses the placement nearest the transcript's 3' end. VCF-style (leftmost placement, unchanged base first): chrX-48688925-A-ACCGCCACCG. GRCh37 (hg19) VCF-style: chrX-48547314-A-ACCGCCACCG.
Identifiers: ClinVar variation 1037693 (VCV001037693.9), dbSNP rs2062430236, ClinGen allele CA2428355756.

ClinVar aggregate classification (germline): Uncertain significance. Review status: criteria provided, multiple submitters, no conflicts (2 of 4 stars). 2 submissions from 2 submitters: Uncertain significance (2). Last evaluated 2022-02-24.

Conditions:
X-linked severe congenital neutropenia (SCNX). Identifiers: Orphanet 86788, MedGen C1845987, MONDO:0010294, OMIM 300299.
Thrombocytopenia 1. Also called: X-linked thrombocytopenia with normal platelets; THROMBOCYTOPENIA, X-LINKED, 1; X-Linked Thrombocytopenia (XLT). Identifiers: Orphanet 268322, Orphanet 852, MedGen C1839163, MONDO:0010743, OMIM 313900.
Wiskott-Aldrich syndrome (WAS). Also called: Wiskott-aldrich syndrome, somatic; ALDRICH SYNDROME; IMMUNODEFICIENCY 2; WISKOTT-ALDRICH SYNDROME 1. Identifiers: Orphanet 906, MedGen C0043194, MONDO:0010518, OMIM 301000.

Submissions (2):

Fulgent Genetics
Classification: Uncertain significance for X-linked severe congenital neutropenia; Wiskott-Aldrich syndrome; Thrombocytopenia 1. Last evaluated: 2022-02-24. Review status: criteria provided, single submitter. Criteria: ACMG Guidelines, 2015. Collection method: clinical testing. Allele origin: unknown.

Labcorp Genetics (formerly Invitae), Labcorp
Classification: Uncertain significance for Wiskott-Aldrich syndrome; X-linked severe congenital neutropenia; Thrombocytopenia 1. Last evaluated: 2020-03-01. Review status: criteria provided, single submitter. Criteria: Invitae Variant Classification Sherloc (09022015). Collection method: clinical testing. Allele origin: germline.
Comment: In summary, the available evidence is currently insufficient to determine the role of this variant in disease. Therefore, it has been classified as a Variant of Uncertain Significance. Experimental studies and prediction algorithms are not available or were not evaluated, and the functional significance of this variant is currently unknown. This variant has not been reported in the literature in individuals with WAS-related conditions. The frequency data for this variant in the population databases is considered unreliable, as metrics indicate insufficient coverage at this position in the ExAC database. This variant, c.1203_1211dup, results in the insertion of 3 amino acid(s) to the WAS protein (p.Pro402_Pro404dup), but otherwise preserves the integrity of the reading frame.